The following is an entry in ClinVar:

ClinVar aggregate classification (germline): Uncertain significance. Review status: criteria provided, multiple submitters, no conflicts (2 of 4 stars). 2 submissions from 2 submitters: Uncertain significance (2). Last evaluated 2024-03-11.

Conditions:
Hypertrophic cardiomyopathy 26. Also called: Cardiomyopathy, familial hypertrophic, 26. Identifiers: Orphanet 75249, MedGen C4310749, MONDO:0014883, OMIM 617047.
Myofibrillar myopathy 5. Also called: Filaminopathy (type); FILAMINOPATHY, AUTOSOMAL DOMINANT. Identifiers: Orphanet 171445, MedGen C1836050, MONDO:0012289, OMIM 609524.
Distal myopathy with posterior leg and anterior hand involvement. Also called: WILLIAMS DISTAL MYOPATHY. Identifiers: Orphanet 63273, MedGen C3279722, MONDO:0013550, OMIM 614065.

Submissions (2):

GeneDx
Classification: Uncertain significance. Last evaluated: 2024-03-11. Review status: criteria provided, single submitter. Criteria: GeneDx Variant Classification Process June 2021. Collection method: clinical testing. Allele origin: germline. Affected: yes.
Comment: Has not been previously published as pathogenic or benign to our knowledge; Not observed at significant frequency in large population cohorts (gnomAD); In silico analysis supports that this missense variant has a deleterious effect on protein structure/function

Labcorp Genetics (formerly Invitae), Labcorp
Classification: Uncertain significance for Distal myopathy with posterior leg and anterior hand involvement; Myofibrillar myopathy 5; Hypertrophic cardiomyopathy 26. Last evaluated: 2023-01-16. Review status: criteria provided, single submitter. Criteria: Invitae Variant Classification Sherloc (09022015). Collection method: clinical testing. Allele origin: germline.
Comment: In summary, the available evidence is currently insufficient to determine the role of this variant in disease. Therefore, it has been classified as a Variant of Uncertain Significance. Advanced modeling of protein sequence and biophysical properties (such as structural, functional, and spatial information, amino acid conservation, physicochemical variation, residue mobility, and thermodynamic stability) has been performed at Invitae for this missense variant, however the output from this modeling did not meet the statistical confidence thresholds required to predict the impact of this variant on FLNC protein function. This variant has not been reported in the literature in individuals affected with FLNC-related conditions. This variant is not present in population databases (gnomAD no frequency). This sequence change replaces aspartic acid, which is acidic and polar, with histidine, which is basic and polar, at codon 316 of the FLNC protein (p.Asp316His).

NM_001458.5(FLNC):c.946G>C (p.Asp316His)

Gene: FLNC (filamin C; plus strand). Cytogenetic location: 7q32.1.
Variant type: single nucleotide variant.
Coding change: c.946G>C on transcript NM_001458.5 (MANE Select); coding-DNA position 946, G replaced by C.
Protein change: p.Asp316His; replaces aspartic acid 316 with histidine.
Molecular consequence: missense variant.
Genome position (GRCh38, 1-based): chr7:128,837,732, G>C. VCF-style: chr7-128837732-G-C. GRCh37 (hg19) VCF-style: chr7-128477786-G-C.
Other names: c.946G>C, p.Asp316His (NM_001127487.2); short protein forms D316H.
Identifiers: ClinVar variation 2943267 (VCV002943267.4), dbSNP rs1205368206, ClinGen allele CA369223214.